The following is an entry in ClinVar:

ClinVar aggregate classification (germline): Conflicting classifications of pathogenicity. Review status: criteria provided, conflicting classifications (1 of 4 stars). 7 submissions from 6 submitters: Uncertain significance (6); Benign (1). Last evaluated 2026-06-23.

Conditions:
SETX-related disorder. Also called: SETX-related condition; SETX-related disorders. Identifiers: MedGen CN239403.
Amyotrophic lateral sclerosis type 4 (ALS4). Also called: AMYOTROPHIC LATERAL SCLEROSIS 4, JUVENILE; NEURONOPATHY, DISTAL HEREDITARY MOTOR, WITH PYRAMIDAL FEATURES. Identifiers: Orphanet 357043, MedGen C1865409, MONDO:0011223, OMIM 602433.
Spinocerebellar ataxia, autosomal recessive, with axonal neuropathy 2 (SCAN2). Also called: Ataxia-ocular apraxia-2; Ataxia with Oculomotor Apraxia; Ataxia with Oculomotor Apraxia Type 2; ATAXIA-OCULOMOTOR APRAXIA 2. Identifiers: Orphanet 64753, MedGen C1853761, MONDO:0018996, OMIM 606002.
Hereditary spastic paraplegia. Also called: Familial spastic paraparesis. Identifiers: Orphanet 685, MedGen C0037773, MONDO:0019064. Disease mechanism: loss of function.
Inborn genetic diseases. Identifiers: MedGen C0950123, MeSH D030342.

gnomAD v4.1: 53 of 1,613,944 alleles (0.0033%); highest among the groups gnomAD compares: Middle Eastern, 0.033%; no homozygotes.

Submissions (7):

PreventionGenetics, part of Exact Sciences
Classification: Uncertain significance for SETX-related condition. Last evaluated: 2026-06-23. Review status: criteria provided, single submitter. Criteria: ACMG Guidelines, 2015. Collection method: clinical testing. Allele origin: germline.
Comment: The SETX c.667C>A variant is predicted to result in the amino acid substitution p.Leu223Ile. To our knowledge, this variant has not been reported in the literature. This variant is reported in 0.0033% of alleles in individuals of South Asian descent in gnomAD. At this time, the clinical significance of this variant is uncertain due to the absence of conclusive functional and genetic evidence.

Mayo Clinic Laboratories, Mayo Clinic
Classification: Uncertain significance. Last evaluated: 2025-08-28. Review status: criteria provided, single submitter. Criteria: ACMG Guidelines, 2015. Collection method: clinical testing. Allele origin: germline. Observed: 1 variant allele.
Comment: BP4_moderate

Ambry Genetics
Classification: Uncertain significance for Inborn genetic diseases. Last evaluated: 2024-11-21. Review status: criteria provided, single submitter. Criteria: Ambry Variant Classification Scheme 2023. Collection method: clinical testing. Allele origin: germline.

Labcorp Genetics (formerly Invitae), Labcorp
Classification: Benign for Amyotrophic lateral sclerosis type 4; Spinocerebellar ataxia, autosomal recessive, with axonal neuropathy 2. Last evaluated: 2024-03-28. Review status: criteria provided, single submitter. Criteria: Invitae Variant Classification Sherloc (09022015). Collection method: clinical testing. Allele origin: germline.

Genome-Nilou Lab
Classification: Uncertain significance for Spinocerebellar ataxia, autosomal recessive, with axonal neuropathy 2. Last evaluated: 2023-02-08. Review status: criteria provided, single submitter. Criteria: ACMG Guidelines, 2015. Collection method: clinical testing. Allele origin: germline.

Genome-Nilou Lab
Classification: Uncertain significance for Amyotrophic lateral sclerosis type 4. Last evaluated: 2023-02-08. Review status: criteria provided, single submitter. Criteria: ACMG Guidelines, 2015. Collection method: clinical testing. Allele origin: germline.

Genome Diagnostics Laboratory, The Hospital for Sick Children
Classification: Uncertain significance for Hereditary spastic paraplegia. Last evaluated: 2017-08-21. Review status: criteria provided, single submitter. Criteria: ACMG Guidelines, 2015. Collection method: clinical testing. Allele origin: germline. Affected: yes.

NM_015046.7(SETX):c.667C>A (p.Leu223Ile)

Gene: SETX (senataxin; minus strand). Cytogenetic location: 9q34.13.
Variant type: single nucleotide variant.
Coding change: c.667C>A on transcript NM_015046.7 (MANE Select); coding-DNA position 667, C replaced by A.
Protein change: p.Leu223Ile; replaces leucine 223 with isoleucine.
Molecular consequence: missense variant.
Genome position (GRCh38, 1-based): chr9:132,336,347, G>T on the plus strand (C>A on the coding strand, the complement: SETX is on the minus strand). VCF-style: chr9-132336347-G-T. GRCh37 (hg19) VCF-style: chr9-135211734-G-T.
Other names: p.Leu223Ile; c.667C>A, p.Leu223Ile (NM_001351527.2, NM_001351528.2); short protein forms L223I.
Identifiers: ClinVar variation 1344025 (VCV001344025.13), dbSNP rs774068411, ClinGen allele CA5297986.
Genomic context (GRCh38, chr9:132,336,347, plus strand): 5'-AATACTCACCTAACCAATAGCTTTTGTAGTTGGTAGTATCATACATGTGTGAGGGCAGAA[G>T]AATCAGTTTACCCTTCTCTAGGACAGAAGAAGTATAAATGTCTGGACTCTCTAAAAGCCC-3'
Protein context (NP_055861.3, residues 213-233): SSVLEKGKLI[Leu223Ile]LPSHMYDTTN